The following is an entry in ClinVar:

ClinVar aggregate classification (germline): Uncertain significance (1 of 4 stars; one submission).

Submission:

GeneDx
Classification: Uncertain significance. Last evaluated: 2024-07-25. Review status: criteria provided, single submitter. Criteria: GeneDx Variant Classification Process June 2021. Collection method: clinical testing. Allele origin: germline. Affected: yes.
Comment: Not observed at significant frequency in large population cohorts (gnomAD); In silico analysis supports that this missense variant has a deleterious effect on protein structure/function; Has not been previously published as pathogenic or benign to our knowledge

NM_000170.3(GLDC):c.459G>T (p.Glu153Asp)

Gene: GLDC (glycine decarboxylase; minus strand). Cytogenetic location: 9p24.1.
Variant type: single nucleotide variant.
Coding change: c.459G>T on transcript NM_000170.3 (MANE Select); coding-DNA position 459, G replaced by T.
Protein change: p.Glu153Asp; replaces glutamic acid 153 with aspartic acid.
Molecular consequence: missense variant.
Genome position (GRCh38, 1-based): chr9:6,620,195, C>A on the plus strand (G>T on the coding strand, the complement: GLDC is on the minus strand). VCF-style: chr9-6620195-C-A. GRCh37 (hg19) VCF-style: chr9-6620195-C-A.
Other names: short protein forms E153D.
Identifiers: ClinVar variation 3600925 (VCV003600925.1).